The following is an entry in ClinVar:

ClinVar aggregate classification (germline): Pathogenic (1 of 4 stars; one submission).

Submission:

Labcorp Genetics (formerly Invitae), Labcorp
Classification: Pathogenic. Last evaluated: 2023-11-01. Review status: criteria provided, single submitter. Criteria: Invitae Variant Classification Sherloc (09022015). Collection method: clinical testing. Allele origin: germline.
Comment: This sequence change affects the initiator methionine of the NDUFAF5 mRNA. The next in-frame methionine is located at codon 188. This variant is not present in population databases (gnomAD no frequency). Disruption of the initiator codon has been observed in individual(s) with mitochondrial complex I deficiency (PMID: 35379322). This variant disrupts a region of the NDUFAF5 protein in which other variant(s) (p.Lys109Asn) have been determined to be pathogenic (PMID: 30473481). This suggests that this is a clinically significant region of the protein, and that variants that disrupt it are likely to be disease-causing. For these reasons, this variant has been classified as Pathogenic.

Literature cited by the submitters: PubMed 35379322; PubMed 30473481.

NM_024120.5(NDUFAF5):c.1A>T (p.Met1Leu)

Genes: NDUFAF5 (NADH:ubiquinone oxidoreductase complex assembly factor 5; plus strand), LOC130065433 (ATAC-STARR-seq lymphoblastoid active region 17552; plus strand). Cytogenetic location: 20p12.1.
Variant type: single nucleotide variant.
Coding change: c.1A>T on transcript NM_024120.5 (MANE Select); coding-DNA position 1, A replaced by T.
Protein change: p.Met1Leu; changes the start codon (methionine 1).
Molecular consequence: missense variant, initiator codon variant. On other transcripts: 5 prime UTR variant (3), non-coding transcript variant (7).
Genome position (GRCh38, 1-based): chr20:13,785,069, A>T. VCF-style: chr20-13785069-A-T. GRCh37 (hg19) VCF-style: chr20-13765715-A-T.
Other names: c.1A>T, p.Met1Leu (NM_001039375.3, NM_001352408.2); c.-367A>T (NM_001352403.2); c.-581A>T (NM_001352406.2); c.-695A>T (NM_001352407.2); short protein forms M1L.
Identifiers: ClinVar variation 2773256 (VCV002773256.3), dbSNP rs758736270, ClinGen allele CA311428322.